The following is an entry in ClinVar:

ClinVar aggregate classification (germline): Uncertain significance. Review status: criteria provided, multiple submitters, no conflicts (2 of 4 stars). 2 submissions from 2 submitters: Uncertain significance (2). Last evaluated 2025-02-07.

Conditions:
Inborn genetic diseases. Identifiers: MedGen C0950123, MeSH D030342.

Allele frequency attached by ClinVar (database versions not stated): gnomAD 0.00001; gnomAD exomes 0.00001; TOPMed 0.00001.
gnomAD v4.1: 12 of 1,606,246 alleles (0.00075%); highest among the groups gnomAD compares: Admixed American, 0.0051%; no homozygotes.

Submissions (2):

Labcorp Genetics (formerly Invitae), Labcorp
Classification: Uncertain significance. Last evaluated: 2025-02-07. Review status: criteria provided, single submitter. Criteria: Invitae Variant Classification Sherloc (09022015). Collection method: clinical testing. Allele origin: germline.
Comment: This sequence change replaces arginine, which is basic and polar, with cysteine, which is neutral and slightly polar, at codon 234 of the TNNT3 protein (p.Arg234Cys). The frequency data for this variant in the population databases is considered unreliable, as metrics indicate poor data quality at this position in the gnomAD database. This variant has not been reported in the literature in individuals affected with TNNT3-related conditions. ClinVar contains an entry for this variant (Variation ID: 1941647). An algorithm developed to predict the effect of missense changes on protein structure and function (PolyPhen-2) suggests that this variant is likely to be disruptive. In summary, the available evidence is currently insufficient to determine the role of this variant in disease. Therefore, it has been classified as a Variant of Uncertain Significance.

Ambry Genetics
Classification: Uncertain significance for Inborn genetic diseases. Last evaluated: 2024-10-12. Review status: criteria provided, single submitter. Criteria: Ambry Variant Classification Scheme 2023. Collection method: clinical testing. Allele origin: germline.

NM_006757.4(TNNT3):c.700C>T (p.Arg234Cys)

Gene: TNNT3 (troponin T3, fast skeletal type; plus strand). Cytogenetic location: 11p15.5.
Variant type: single nucleotide variant.
Coding change: c.700C>T on transcript NM_006757.4 (MANE Select); coding-DNA position 700, C replaced by T.
Protein change: p.Arg234Cys; replaces arginine 234 with cysteine.
Molecular consequence: missense variant. On other transcripts: intron variant (2).
Genome position (GRCh38, 1-based): chr11:1,936,981, C>T. VCF-style: chr11-1936981-C-T. GRCh37 (hg19) VCF-style: chr11-1958211-C-T.
Other names: c.694C>T, p.Arg232Cys (NM_001042781.3, NM_001367842.1); c.676C>T, p.Arg226Cys (NM_001042782.3, NM_001297646.2, NM_001367844.1 and 1 more transcripts); c.709C>T, p.Arg237Cys (NM_001363561.2, NM_001367847.1); c.733C>T, p.Arg245Cys (NM_001367846.1); c.697C>T, p.Arg233Cys (NM_001367848.1); c.688C>T, p.Arg230Cys (NM_001367849.1); c.643C>T, p.Arg215Cys (NM_001367850.1); c.496C>T, p.Arg166Cys (NM_001367851.1, NM_001367852.1); and 3 more; short protein forms R245C, R226C, R234C, R166C, R215C, R230C, R232C, R233C.
Identifiers: ClinVar variation 1941647 (VCV001941647.6), dbSNP rs1430225769, ClinGen allele CA379100070.
Genomic context (GRCh38, chr11:1,936,981, plus strand): 5'-GGCCCTCGGGTCGTCGCAGTGAGTCACTCATGTTGTTCACAGATCACCACGCTCAGGAGC[C>T]GCATTGACCAGGCCCAGAAGCAGTGAGTAGCCCTGCCGTCCTCGCTCCGCACTGGGCACA-3'
Protein context (NP_006748.1, residues 224-244): QKYDITTLRS[Arg234Cys]IDQAQKHSKK